The following is an entry in ClinVar:

NM_002890.3(RASA1):c.707G>T (p.Cys236Phe)

Genes: CCNH (cyclin H; minus strand), RASA1 (RAS p21 protein activator 1; plus strand). Cytogenetic location: 5q14.3.
Variant type: single nucleotide variant.
Coding change: c.707G>T on transcript NM_002890.3 (MANE Select); coding-DNA position 707, G replaced by T.
Protein change: p.Cys236Phe; replaces cysteine 236 with phenylalanine.
Molecular consequence: missense variant. On other transcripts: intron variant (1).
Genome position (GRCh38, 1-based): chr5:87,332,521, G>T. VCF-style: chr5-87332521-G-T. GRCh37 (hg19) VCF-style: chr5-86628338-G-T.
Other names: c.176G>T, p.Cys59Phe (NM_022650.3); c.934-19726C>A (NM_001364075.2); short protein forms C236F, C59F.
Identifiers: ClinVar variation 3942985 (VCV003942985.1).

ClinVar aggregate classification (germline): Uncertain significance (1 of 4 stars; one submission).

Conditions:
Cardiovascular phenotype. Identifiers: MedGen CN230736.

Submission:

Ambry Genetics
Classification: Uncertain significance for Cardiovascular phenotype. Last evaluated: 2025-05-18. Review status: criteria provided, single submitter. Criteria: Ambry Variant Classification Scheme 2023. Collection method: clinical testing. Allele origin: germline.
Comment: The p.C236F variant (also known as c.707G>T), located in coding exon 3 of the RASA1 gene, results from a G to T substitution at nucleotide position 707. The cysteine at codon 236 is replaced by phenylalanine, an amino acid with highly dissimilar properties. This amino acid position is conserved. In addition, this alteration is predicted to be deleterious by in silico analysis. Based on the available evidence, the clinical significance of this variant remains unclear.